The following continues an entry in ClinVar:

NM_007194.4(CHEK2):c.349A>G (p.Arg117Gly)

Gene: CHEK2. ClinVar aggregate classification (germline): Pathogenic/Likely pathogenic. Pathogenic (13); Likely pathogenic (36).

Submissions 27 to 41 of 59:

Clinical Genetics Laboratory, Skane University Hospital Lund
Classification: Pathogenic. Last evaluated: 2023-11-24. Review status: criteria provided, single submitter. Criteria: ACMG Guidelines, 2015. Collection method: clinical testing. Allele origin: germline. Affected: yes.

Myriad Genetics, Inc.
Classification: Likely pathogenic for Familial cancer of breast. Last evaluated: 2023-03-09. Review status: criteria provided, single submitter. Criteria: Myriad Autosomal Dominant, Autosomal Recessive and X-Linked Classification Criteria (2023). Collection method: clinical testing. Allele origin: unknown.
Comment: This variant is considered likely pathogenic. This variant is strongly associated with more severe personal and family histories of cancer, typical for individuals with pathogenic variants in this gene [PMID: 25085752].

Institute of Human Genetics, FAU Erlangen, Friedrich-Alexander-Universität Erlangen-Nürnberg
Classification: Pathogenic for CHEK2-related cancer predisposition. Last evaluated: 2023-03-06. Review status: criteria provided, single submitter. Criteria: Hauer et al. (Genet Med. 2018). Collection method: clinical testing. Allele origin: germline. Inheritance: Unknown mechanism. Affected: yes. Observed: 1 variant allele.
Comment: This variant has been identified by standard clinical testing.

CHEO Genetics Diagnostic Laboratory, Children's Hospital of Eastern Ontario
Classification: Likely pathogenic for Breast and/or ovarian cancer. Last evaluated: 2023-01-18. Review status: criteria provided, single submitter. Criteria: ACMG Guidelines, 2015. Collection method: clinical testing. Allele origin: germline.

Centre for Mendelian Genomics, University Medical Centre Ljubljana
Classification: Likely pathogenic for Familial cancer of breast. Last evaluated: 2022-12-09. Review status: criteria provided, single submitter. Criteria: ACMG Guidelines, 2015. Collection method: research. Allele origin: germline. Affected: no.
Comment: PS3, PS4_STR

Greenwood Genetic Center Diagnostic Laboratories, Greenwood Genetic Center
Classification: Pathogenic for CHEK2-related disorder. Last evaluated: 2022-10-03. Review status: criteria provided, single submitter. Criteria: ACMG Guidelines, 2015. Collection method: clinical testing. Allele origin: germline.
Comment: PS3, PS4, PP3

Women's Health and Genetics/Laboratory Corporation of America, LabCorp
Classification: Pathogenic for Malignant tumor of breast. Last evaluated: 2022-06-09. Review status: criteria provided, single submitter. Criteria: LabCorp Variant Classification Summary - May 2015. Collection method: clinical testing. Allele origin: germline.
Comment: Variant summary: CHEK2 c.349A>G (p.Arg117Gly) results in a non-conservative amino acid change located in the Forkhead-associated (FHA) domain (IPR000253) of the encoded protein sequence. Five of five in-silico tools predict a damaging effect of the variant on protein function. This variant allele was found in 33/265114 control chromosomes at a frequency of 0.00012 (gnomAD and publications). This frequency is not higher than expected for a pathogenic variant in CHEK2 causing Breast Cancer (0.00012 vs 0.00031), allowing no conclusion about variant significance. The variant, c.349A>G, has been reported in the literature in multiple individuals affected with cancer including breast cancer, pancreatic cancer, colorectal cancer and prostate cancer (but also in controls) (Hu_2018, Lu_2018, Martin-Morales_2018, Paulo_2018, Rummel_2017, Pinto_2016, Southey_2016), with limited cosegregation information. In one study, in 3 families, 8 transmissions of the variant allele and 2 transmissions of the reference allele to affected individuals was reported (Schutte_2003). The variant has also been reported in studies that included cohorts of comprehensively genotyped patients with early onset breast cancer meeting the NCCN guidelines (Rummel_2017), and a family history of breast cancer (Pinto_2016; Moran_2017, Lu_2018). A case-control study showed evidence of association with breast cancer (OR = 2.03; Southey_2016) but no association with prostate and ovarian cancer, suggesting this might be a risk variant. FLOSSIES database reports the variant in 2 women older than age 70 years who have never had cancer. In addition, co-occurrences with other pathogenic variants have been reported (BRCA2 c.891_899delAACAGTTGTinsGATACTTCAG, p.Thr298Ilefs; CHEK2 c.1100delC, p.Thr367fsX15 (Susswein_2015); APC c.426_427delAT, p.Leu143AlafsX4 at our laboratory). However, as co-occurrence with other pathogenic variants is not mutually exclusive in cancer probands, this is not entirely supportive of a benign role of this variant. Functional in vitro and in vivo studies showed that p.R117G is incompletely phosphorylated and is not efficiently activated in response to DNA damage, showing minimal kinase activity when studied in isolation, however, it can dimerize efficiently to CHEK2 wild-type without strongly affecting the wild-type CHEK2 activity (Roeb_2012, Chrisanthar_2008, Sodha_2006, Wu_2006). Twenty ClinVar submissions from clinical diagnostic laboratories (evaluation after 2014) cite the variant as likely pathogenic (n=16) and pathogenic (n=4). Several submitters cite overlapping evidence utilized in the context of this evaluation. Based on the evidence outlined above, the variant was classified as pathogenic.

Dasa
Classification: Likely pathogenic for CHEK2-related cancer predisposition. Last evaluated: 2022-03-25. Review status: criteria provided, single submitter. Criteria: ACMG Guidelines, 2015. Collection method: clinical testing. Allele origin: germline. Affected: yes. Observed: 1 variant allele.
Comment: Well-established in vitro or in vivo functional studies supportive of a damaging effect on the gene or gene product (PMID: 18725978; 16982735; 22419737) - PS3_moderate. The c.349A>G;p.(Arg117Gly) missense change has been observed in affected individual(s) and ClinVar contains an entry for this variant (ClinVar ID: 128071; PMID: 12454775; PMID: 12610780; PMID: 21244692; PMID: 28503720) -PS4. The variant is present at low allele frequencies population databases (rs28909982 – gnomAD 0.001132%; ABraOM 0.001281 frequency.) - PM2_supporting. In summary, the currently available evidence indicates that the variant is likely pathogenic

Quest Diagnostics Nichols Institute San Juan Capistrano
Classification: Pathogenic. Last evaluated: 2022-03-12. Review status: criteria provided, single submitter. Criteria: Quest Diagnostics criteria. Collection method: clinical testing. Allele origin: unknown.
Comment: In the published literature, the variant has been reported in individuals with breast cancer (PMIDs: 31263054 (2019), 31206626 (2019), 31090900 (2019), 30303537 (2019), 30426508 (2018), 30128536 (2018), 28709830 (2017), 28503720 (2017), 27553368 (2016), 25503501 (2015)), prostate cancer (PMIDs: 29659569 (2018), 29439820 (2018)), and pancreatic cancer (PMIDs: 29945567 (2018), 29922827 (2018)). In addition, families show evidence of co-segregation with breast cancer (PMID: 12610780 (2003)). Functional studies in the published literature report this variant causes loss of CHEK2 activity (PMIDs: 30851065 (2019), 22419737 (2012), 18725978 (2008), 16982735 (2006), 16835864 (2006)). The frequency of this variant in the general population, 0.00019 (24/128958 chromosomes), is consistent with pathogenicity. Based on the available information, this variant is classified as pathogenic.

Institute for Clinical Genetics, University Hospital TU Dresden, University Hospital TU Dresden
Classification: Likely pathogenic. Last evaluated: 2021-11-03. Review status: criteria provided, single submitter. Criteria: ACMG Guidelines, 2015. Collection method: clinical testing. Allele origin: germline.

Sema4
Classification: Likely pathogenic for Hereditary cancer-predisposing syndrome. Last evaluated: 2021-10-30. Review status: criteria provided, single submitter. Criteria: Sema4 Curation Guidelines. Collection method: curation. Allele origin: germline.
Comment: The CHEK2 c.349A>G (p.R117G) variant has been reported in heterozygosity in numerous individuals with different types of cancer, including breast, colon, ovarian, pancreatic, prostate, and others (PMID: 12454775, 26681312, 30067863, 30322717, 31206626, 32906215, 21244692, 33326660). This variant was also identified in healthy controls (PMID: 32906215, 21244692). Functional studies have shown that this variant reduces the kinase activity (PMID: 18725978, 16835864). This variant was observed in 24/128958 chromosomes in the Non-Finnish European population, with no homozygotes, according to the Genome Aggregation Database (PMID: 32461654). This variant has been reported in ClinVar (Variation ID: 128071). Based on the current evidence available, this variant is interpreted as likely pathogenic.

Baylor Genetics
Classification: Likely pathogenic for CHEK2-related cancer predisposition. Last evaluated: 2021-05-25. Review status: criteria provided, single submitter. Criteria: ACMG Guidelines, 2015. Collection method: clinical testing. Allele origin: unknown. Affected: yes. Study: CSER-TexasKidsCanSeq.
Comment: This variant was determined to be likely pathogenic according to ACMG Guidelines, 2015 [PMID:25741868].

St. Jude Molecular Pathology, St. Jude Children's Research Hospital
Classification: Likely pathogenic for Predisposition to cancer. Last evaluated: 2021-05-13. Review status: criteria provided, single submitter. Criteria: St. Jude Assertion Criteria 2020. Collection method: clinical testing. Allele origin: germline.
Comment: The CHEK2 c.349A>G (p.Arg117Gly) missense change has a maximum frequency of 0.019% in gnomAD v2.1.1. Seven of seven in silico tools predict a deleterious effect of this variant on protein function (PP3). Several functional studies suggest that this variant is pathogenic, demonstrating a strongly reduced CHEK2-mediated DNA damage response, impaired kinase activity, and incomplete phosphorylation (PS3; PMID: 18725978, 22419737, 30851065, 16835864, 16982735). This variant has been identified in many cancer cases including familial breast/ovarian, prostate, pancreatic, colorectal, as well as other cancer types (PMID: 12454775, 15095295, 21244692, 26681312, 28125075, 29439820, 29659569, 29439820, 29945567, 30322717, 30256826, 28709830, 30426508, 31090900, 31263054, 31206626, 32906215, 30676620, 32906215). A case-control study showed evidence of association with breast cancer (PS4; OR = 2.26; PMID: 27595995), but no association with prostate and ovarian cancer. In addition, the variant segregated with breast cancer in three families, although it was not identified in all affected family members (PMID: 12610780) This variant is present 2x in the FLOSSIES database which contains genetic variants from women older than 70 years of age who have never had cancer (BS2_supporting). In summary, this variant meets criteria to be classified as likely pathogenic based on the ACMG/AMP criteria: PS3, PS4, PP3, BS2_supporting.

Genetics and Molecular Pathology, SA Pathology
Classification: Likely pathogenic for Familial cancer of breast. Last evaluated: 2021-04-26. Review status: criteria provided, single submitter. Criteria: ACMG Guidelines, 2015. Collection method: clinical testing. Allele origin: germline. Affected: yes.

Institute of Medical Genetics and Applied Genomics, University Hospital Tübingen
Classification: Likely pathogenic. Last evaluated: 2020-10-23. Review status: criteria provided, single submitter. Criteria: ACMG Guidelines, 2015. Collection method: clinical testing. Allele origin: germline. Inheritance: Unknown mechanism. Affected: yes.